The following is an entry in ClinVar:

NM_000062.3(SERPING1):c.524C>T (p.Ala175Val)

Gene: SERPING1 (serpin family G member 1; plus strand). Cytogenetic location: 11q12.1.
Variant type: single nucleotide variant.
Coding change: c.524C>T on transcript NM_000062.3 (MANE Select); coding-DNA position 524, C replaced by T.
Protein change: p.Ala175Val; replaces alanine 175 with valine.
Molecular consequence: missense variant.
Genome position (GRCh38, 1-based): chr11:57,600,351, C>T. VCF-style: chr11-57600351-C-T. GRCh37 (hg19) VCF-style: chr11-57367824-C-T.
Other names: c.524C>T, p.Ala175Val (NM_001032295.2); short protein forms A175V.
Identifiers: ClinVar variation 4769938 (VCV004769938.1).
Genomic context (GRCh38, chr11:57,600,351, plus strand): 5'-ACGCCTTCTCAGCAATGAAGAAGGTGGAGACCAACATGGCCTTTTCCCCATTCAGCATCG[C>T]CAGCCTCCTTACCCAGGTCCTGCTCGGTAAGACCCTGCTTGAATTCTCTCCAGGTCATTT-3'
Protein context (NP_000053.2, residues 165-185): TNMAFSPFSI[Ala175Val]SLLTQVLLGA

ClinVar aggregate classification (germline): Uncertain significance (1 of 4 stars; one submission).

Submission:

Labcorp Genetics (formerly Invitae), Labcorp
Classification: Uncertain significance. Last evaluated: 2025-07-14. Review status: criteria provided, single submitter. Criteria: Invitae Variant Classification Sherloc (09022015). Collection method: clinical testing. Allele origin: germline.
Comment: This sequence change replaces alanine, which is neutral and non-polar, with valine, which is neutral and non-polar, at codon 175 of the SERPING1 protein (p.Ala175Val). This variant is not present in population databases (gnomAD no frequency). This variant has not been reported in the literature in individuals affected with SERPING1-related conditions. Invitae Evidence Modeling of protein sequence and biophysical properties (such as structural, functional, and spatial information, amino acid conservation, physicochemical variation, residue mobility, and thermodynamic stability) has been performed for this missense variant. However, the output from this modeling did not meet the statistical confidence thresholds required to predict the impact of this variant on SERPING1 protein function. In summary, the available evidence is currently insufficient to determine the role of this variant in disease. Therefore, it has been classified as a Variant of Uncertain Significance.